The following is an entry in ClinVar:

ClinVar aggregate classification (germline): Uncertain significance (1 of 4 stars; one submission).

Conditions:
Leigh syndrome (NULS). Also called: Leigh's necrotizing encephalopathy; Leigh's disease; Leigh Syndrome (mtDNA deletion); Leigh Disease; Subacute necrotizing encephalopathy; Necrotizing encephalopathy infantile subacute of Leigh. Identifiers: Orphanet 506, MedGen C2931891, MONDO:0009723, OMIM 256000.

Submission:

Wong Mito Lab, Molecular and Human Genetics, Baylor College of Medicine
Classification: Uncertain significance for Leigh syndrome. Last evaluated: 2019-10-17. Review status: criteria provided, single submitter. Criteria: Modified ACMG Guidelines (Unpublished). Collection method: clinical testing. Allele origin: germline.
Comment: The NC_012920.1:m.6012A>G (YP_003024028.1:p.Ile37Val) variant in MTCO1 gene is interpretated to be a Uncertain Significance variant based on the modified ACMG guidelines (unpublished). This variant meets the following evidence codes: PP4

NC_012920.1(MT-CO1):m.6012A>G

Gene: MT-CO1 (mitochondrially encoded cytochrome c oxidase I; plus strand).
Variant type: single nucleotide variant.
Genome position: chrM-6012-A-G.
Identifiers: ClinVar variation 692606 (VCV000692606.1), dbSNP rs1603220222, ClinGen allele CA414781223.